The following is an entry in ClinVar:

NM_032242.4(PLXNA1):c.3600C>T (p.Thr1200=)

Gene: PLXNA1 (plexin A1; plus strand). Cytogenetic location: 3q21.3.
Variant type: single nucleotide variant.
Coding change: c.3600C>T on transcript NM_032242.4 (MANE Select); coding-DNA position 3600, C replaced by T.
Protein change: p.Thr1200=; no amino-acid change (threonine 1200 retained).
Molecular consequence: synonymous variant.
Genome position (GRCh38, 1-based): chr3:127,017,832, C>T. VCF-style: chr3-127017832-C-T. GRCh37 (hg19) VCF-style: chr3-126736675-C-T.
Identifiers: ClinVar variation 3351669 (VCV003351669.1).

ClinVar aggregate classification (germline): Likely benign (0 of 4 stars; one submission).

Conditions:
PLXNA1-related disorder. Also called: PLXNA1-related condition.

gnomAD v4.1: 53 of 1,613,018 alleles (0.0033%); highest among the groups gnomAD compares: South Asian, 0.011%; no homozygotes.

Submission:

PreventionGenetics, part of Exact Sciences
Classification: Likely benign for PLXNA1-related condition. Last evaluated: 2022-09-07. Review status: no assertion criteria provided. Collection method: clinical testing. Allele origin: germline.
Comment: This variant is classified as likely benign based on ACMG/AMP sequence variant interpretation guidelines (Richards et al. 2015 PMID: 25741868, with internal and published modifications).